The following is an entry in ClinVar:

NM_014679.5(CEP57):c.1281_1295del (p.425LEKQK[1])

Gene: CEP57 (centrosomal protein 57; plus strand). Cytogenetic location: 11q21.
Variant type: Deletion.
Coding change: c.1281_1295del on transcript NM_014679.5 (MANE Select); coding-DNA positions 1281 to 1295, 15 bases deleted (ACAGAAGTTAGAGAA).
Protein change: p.425LEKQK[1].
Molecular consequence: inframe deletion.
Genome position (GRCh38, 1-based): chr11:95,831,034-95,831,048, ACAGAAGTTAGAGAA deleted; deleting any 15 consecutive bases within chr11:95,831,029-95,831,048 gives the same sequence; the c. name uses the placement nearest the transcript's 3' end. VCF-style (leftmost placement, unchanged base first): chr11-95831028-GGAGAAACAGAAGTTA-G. GRCh37 (hg19) VCF-style: chr11-95564192-GGAGAAACAGAAGTTA-G.
Other names: c.1254_1268del, p.416LEKQK[1] (NM_001243776.2); c.1203_1217del, p.399LEKQK[1] (NM_001243777.2); c.1200_1214del, p.398LEKQK[1] (NM_001363604.2).
Identifiers: ClinVar variation 844393 (VCV000844393.9), dbSNP rs767882667, ClinGen allele CA6239770.

ClinVar aggregate classification (germline): Uncertain significance (1 of 4 stars; one submission).

Conditions:
Mosaic variegated aneuploidy syndrome 2 (MVA2). Identifiers: Orphanet 1052, MedGen C3279843, MONDO:0013582, OMIM 614114.

Submission:

Labcorp Genetics (formerly Invitae), Labcorp
Classification: Uncertain significance for Mosaic variegated aneuploidy syndrome 2. Last evaluated: 2024-03-04. Review status: criteria provided, single submitter. Criteria: Invitae Variant Classification Sherloc (09022015). Collection method: clinical testing. Allele origin: germline.
Comment: This variant, c.1281_1295del, results in the deletion of 5 amino acid(s) of the CEP57 protein (p.Leu430_Lys434del), but otherwise preserves the integrity of the reading frame. This variant is present in population databases (rs767882667, gnomAD 0.02%). This variant has not been reported in the literature in individuals affected with CEP57-related conditions. ClinVar contains an entry for this variant (Variation ID: 844393). Experimental studies and prediction algorithms are not available or were not evaluated, and the functional significance of this variant is currently unknown. In summary, the available evidence is currently insufficient to determine the role of this variant in disease. Therefore, it has been classified as a Variant of Uncertain Significance.